The following is an entry in ClinVar:

ClinVar aggregate classification (germline): Uncertain significance (1 of 4 stars; one submission).

Allele frequency attached by ClinVar (database versions not stated): gnomAD 0.00001; TOPMed 0.00001.

Submission:

Labcorp Genetics (formerly Invitae), Labcorp
Classification: Uncertain significance. Last evaluated: 2022-05-07. Review status: criteria provided, single submitter. Criteria: Invitae Variant Classification Sherloc (09022015). Collection method: clinical testing. Allele origin: germline.
Comment: Experimental studies and prediction algorithms are not available or were not evaluated, and the functional significance of this variant is currently unknown. This sequence change affects the initiator methionine of the PDYN mRNA. The next in-frame methionine is located at codon 14. This variant is not present in population databases (gnomAD no frequency). This variant has not been reported in the literature in individuals affected with PDYN-related conditions. In summary, the available evidence is currently insufficient to determine the role of this variant in disease. Therefore, it has been classified as a Variant of Uncertain Significance.

NM_024411.5(PDYN):c.2T>C (p.Met1Thr)

Genes: PDYN-AS1 (PDYN antisense RNA 1; plus strand), PDYN (prodynorphin; minus strand). Cytogenetic location: 20p13.
Variant type: single nucleotide variant.
Coding change: c.2T>C on transcript NM_024411.5 (MANE Select); coding-DNA position 2, T replaced by C.
Protein change: p.Met1Thr; changes the start codon (methionine 1).
Molecular consequence: missense variant, initiator codon variant.
Genome position (GRCh38, 1-based): chr20:1,983,083, A>G on the plus strand (T>C on the coding strand, the complement: PDYN is on the minus strand). VCF-style: chr20-1983083-A-G. GRCh37 (hg19) VCF-style: chr20-1963729-A-G.
Other names: c.2T>C, p.Met1Thr (NM_001190892.1, NM_001190898.3, NM_001190899.2 and 1 more transcripts); short protein forms M1T.
Identifiers: ClinVar variation 2134922 (VCV002134922.5), dbSNP rs1222261993, ClinGen allele CA408005238.